The following is an entry in ClinVar:

ClinVar aggregate classification (germline): Uncertain significance (1 of 4 stars; one submission).

gnomAD v4.1: 15 of 1,613,802 alleles (0.00093%); highest among the groups gnomAD compares: Admixed American, 0.0017%; no homozygotes.

Submission:

Labcorp Genetics (formerly Invitae), Labcorp
Classification: Uncertain significance. Last evaluated: 2026-01-22. Review status: criteria provided, single submitter. Criteria: Invitae Variant Classification Sherloc (09022015). Collection method: clinical testing. Allele origin: germline.
Comment: This sequence change replaces serine, which is neutral and polar, with leucine, which is neutral and non-polar, at codon 1346 of the DIP2C protein (p.Ser1346Leu). This variant is present in population databases (rs756719712, gnomAD 0.004%). This variant has not been reported in the literature in individuals affected with DIP2C-related conditions. An algorithm developed to predict the effect of missense changes on protein structure and function (PolyPhen-2) suggests that this variant is likely to be disruptive. In summary, the available evidence is currently insufficient to determine the role of this variant in disease. Therefore, it has been classified as a Variant of Uncertain Significance.

NM_014974.3(DIP2C):c.4037C>T (p.Ser1346Leu)

Gene: DIP2C (DIP2 acetate--CoA ligase C (putative); minus strand). Cytogenetic location: 10p15.3.
Variant type: single nucleotide variant.
Coding change: c.4037C>T on transcript NM_014974.3 (MANE Select); coding-DNA position 4037, C replaced by T.
Protein change: p.Ser1346Leu; replaces serine 1346 with leucine.
Molecular consequence: missense variant.
Genome position (GRCh38, 1-based): chr10:288,371, G>A on the plus strand (C>T on the coding strand, the complement: DIP2C is on the minus strand). VCF-style: chr10-288371-G-A. GRCh37 (hg19) VCF-style: chr10-334311-G-A.
Other names: short protein forms S1346L.
Identifiers: ClinVar variation 4769771 (VCV004769771.1).
Genomic context (GRCh38, chr10:288,371, plus strand): 5'-ACAGTCAGAAGCGAACGGATACAGAAATGCGTGCCTCTTCCTATAATACTTACCTTTCCC[G>A]ATTCCATCAGGGGCAGACTATGAGGGGATCCTCTTTCCACTAAGCGGACTCTGCAAACAG-3'
Protein context (NP_055789.1, residues 1336-1356): GSPHSLPLME[Ser1346Leu]GKILPGVRII